The following is an entry in ClinVar:

NM_000038.6(APC):c.7726G>C (p.Ala2576Pro)

Gene: APC (APC regulator of Wnt signaling pathway; plus strand). Cytogenetic location: 5q22.2.
Variant type: single nucleotide variant.
Coding change: c.7726G>C on transcript NM_000038.6 (MANE Select); coding-DNA position 7726, G replaced by C.
Protein change: p.Ala2576Pro; replaces alanine 2576 with proline.
Molecular consequence: missense variant.
Genome position (GRCh38, 1-based): chr5:112,843,320, G>C. VCF-style: chr5-112843320-G-C. GRCh37 (hg19) VCF-style: chr5-112179017-G-C.
Other names: c.7726G>C, p.Ala2576Pro (NM_001127510.3, NM_001354895.2); c.7672G>C, p.Ala2558Pro (NM_001127511.3); c.7780G>C, p.Ala2594Pro (NM_001354896.2); c.7756G>C, p.Ala2586Pro (NM_001354897.2); c.7651G>C, p.Ala2551Pro (NM_001354898.2); c.7642G>C, p.Ala2548Pro (NM_001354899.2); c.7603G>C, p.Ala2535Pro (NM_001354900.2); c.7549G>C, p.Ala2517Pro (NM_001354901.2); and 5 more; short protein forms A2416P, A2586P, A2293P, A2475P, A2517P, A2548P, A2450P, A2535P.
Identifiers: ClinVar variation 918607 (VCV000918607.4), dbSNP rs1554088617, ClinGen allele CA16038109.

ClinVar aggregate classification (germline): Uncertain significance (1 of 4 stars; one submission).

Conditions:
Hereditary cancer-predisposing syndrome. Also called: Neoplastic Syndromes, Hereditary; Tumor predisposition; Hereditary Cancer Syndrome; Hereditary neoplastic syndrome. Identifiers: Orphanet 140162, MedGen C0027672, MeSH D009386, MONDO:0015356.

Submission:

Color Diagnostics, LLC DBA Color Health
Classification: Uncertain significance for Hereditary cancer-predisposing syndrome. Last evaluated: 2023-12-05. Review status: criteria provided, single submitter. Criteria: ACMG Guidelines, 2015. Collection method: clinical testing. Allele origin: germline.
Comment: This missense variant replaces alanine with proline at codon 2576 of the APC protein. Computational prediction suggests that this variant may not impact protein structure and function (internally defined REVEL score threshold <= 0.5, PMID: 27666373). To our knowledge, functional studies have not been reported for this variant. This variant has not been reported in individuals affected with APC-related disorders in the literature. This variant has not been identified in the general population by the Genome Aggregation Database (gnomAD). The available evidence is insufficient to determine the role of this variant in disease conclusively. Therefore, this variant is classified as a Variant of Uncertain Significance.